The following is an entry in ClinVar:

NM_001042432.2(CLN3):c.101A>G (p.His34Arg)

Gene: CLN3 (CLN3 lysosomal/endosomal transmembrane protein, battenin; minus strand). Cytogenetic location: 16p12.1.
Variant type: single nucleotide variant.
Coding change: c.101A>G on transcript NM_001042432.2 (MANE Select); coding-DNA position 101, A replaced by G.
Protein change: p.His34Arg; replaces histidine 34 with arginine.
Molecular consequence: missense variant. On other transcripts: intron variant (3).
Genome position (GRCh38, 1-based): chr16:28,491,506, T>C on the plus strand (A>G on the coding strand, the complement: CLN3 is on the minus strand). VCF-style: chr16-28491506-T-C. GRCh37 (hg19) VCF-style: chr16-28502827-T-C.
Other names: c.101A>G, p.His34Arg (NM_000086.2, NM_001286104.2); c.-38+208A>G (NM_001286109.2, NM_001286110.2); c.-96+208A>G (NM_001286105.2); short protein forms H34R.
Identifiers: ClinVar variation 847126 (VCV000847126.6), dbSNP rs759668300, ClinGen allele CA7981079.

ClinVar aggregate classification (germline): Uncertain significance. Review status: criteria provided, multiple submitters, no conflicts (2 of 4 stars). 2 submissions from 2 submitters: Uncertain significance (2). Last evaluated 2024-12-03.

Conditions:
Inborn genetic diseases. Identifiers: MedGen C0950123, MeSH D030342.
Neuronal ceroid lipofuscinosis. Also called: Neuronal Ceroid Lipofuscinoses. Identifiers: Orphanet 216, Orphanet 79263, MedGen C0027877, MONDO:0016295. Disease mechanism: loss of function.

Allele frequency attached by ClinVar (database versions not stated): TOPMed 0.00001; gnomAD 0.00005.
gnomAD v4.1: 10 of 1,613,776 alleles (0.00062%); highest among the groups gnomAD compares: African/African-American, 0.013%; no homozygotes.

Submissions (2):

Ambry Genetics
Classification: Uncertain significance for Inborn genetic diseases. Last evaluated: 2024-12-03. Review status: criteria provided, single submitter. Criteria: Ambry Variant Classification Scheme 2023. Collection method: clinical testing. Allele origin: germline.

Labcorp Genetics (formerly Invitae), Labcorp
Classification: Uncertain significance for Neuronal ceroid lipofuscinosis. Last evaluated: 2023-07-17. Review status: criteria provided, single submitter. Criteria: Invitae Variant Classification Sherloc (09022015). Collection method: clinical testing. Allele origin: germline.
Comment: ClinVar contains an entry for this variant (Variation ID: 847126). In summary, the available evidence is currently insufficient to determine the role of this variant in disease. Therefore, it has been classified as a Variant of Uncertain Significance. Advanced modeling of protein sequence and biophysical properties (such as structural, functional, and spatial information, amino acid conservation, physicochemical variation, residue mobility, and thermodynamic stability) performed at Invitae indicates that this missense variant is not expected to disrupt CLN3 protein function. This variant has not been reported in the literature in individuals affected with CLN3-related conditions. This variant is present in population databases (rs759668300, gnomAD 0.02%). This sequence change replaces histidine, which is basic and polar, with arginine, which is basic and polar, at codon 34 of the CLN3 protein (p.His34Arg).